The following is an entry in ClinVar:

ClinVar aggregate classification (germline): Uncertain significance (1 of 4 stars; one submission).

gnomAD v4.1: 1 of 1,613,912 alleles (0.000062%); highest among the groups gnomAD compares: Admixed American, 0.0017%; no homozygotes.

Submission:

Labcorp Genetics (formerly Invitae), Labcorp
Classification: Uncertain significance. Last evaluated: 2024-03-02. Review status: criteria provided, single submitter. Criteria: Invitae Variant Classification Sherloc (09022015). Collection method: clinical testing. Allele origin: germline.
Comment: This sequence change replaces proline, which is neutral and non-polar, with serine, which is neutral and polar, at codon 192 of the CTNNB1 protein (p.Pro192Ser). This variant is not present in population databases (gnomAD no frequency). This variant has not been reported in the literature in individuals affected with CTNNB1-related conditions. Advanced modeling of protein sequence and biophysical properties (such as structural, functional, and spatial information, amino acid conservation, physicochemical variation, residue mobility, and thermodynamic stability) performed at Invitae indicates that this missense variant is not expected to disrupt CTNNB1 protein function with a negative predictive value of 80%. In summary, the available evidence is currently insufficient to determine the role of this variant in disease. Therefore, it has been classified as a Variant of Uncertain Significance.

NM_001904.4(CTNNB1):c.574C>T (p.Pro192Ser)

Genes: CTNNB1 (catenin beta 1; plus strand), LOC126806658 (BRD4-independent group 4 enhancer GRCh37_chr3:41265899-41267098; plus strand). Cytogenetic location: 3p22.1.
Variant type: single nucleotide variant.
Coding change: c.574C>T on transcript NM_001904.4 (MANE Select); coding-DNA position 574, C replaced by T.
Protein change: p.Pro192Ser; replaces proline 192 with serine.
Molecular consequence: missense variant.
Genome position (GRCh38, 1-based): chr3:41,225,412, C>T. VCF-style: chr3-41225412-C-T. GRCh37 (hg19) VCF-style: chr3-41266903-C-T.
Other names: c.574C>T, p.Pro192Ser (NM_001098209.2, NM_001098210.2); c.553C>T, p.Pro185Ser (NM_001330729.2); short protein forms P192S, P185S.
Identifiers: ClinVar variation 3639239 (VCV003639239.2).
Genomic context (GRCh38, chr3:41,225,412, plus strand): 5'-GCAGTTATGGTCCATCAGCTTTCTAAAAAGGAAGCTTCCAGACACGCTATCATGCGTTCT[C>T]CTCAGATGGTGTCTGCTATTGTACGTACCATGCAGAATACAAATGATGTAGAAACAGCTC-3'
Protein context (NP_001895.1, residues 182-202): EASRHAIMRS[Pro192Ser]QMVSAIVRTM